The following is an entry in ClinVar:

NM_002080.4(GOT2):c.893C>T (p.Ala298Val)

Gene: GOT2 (glutamic-oxaloacetic transaminase 2; minus strand). Cytogenetic location: 16q21.
Variant type: single nucleotide variant.
Coding change: c.893C>T on transcript NM_002080.4 (MANE Select); coding-DNA position 893, C replaced by T.
Protein change: p.Ala298Val; replaces alanine 298 with valine.
Molecular consequence: missense variant.
Genome position (GRCh38, 1-based): chr16:58,716,140, G>A on the plus strand (C>T on the coding strand, the complement: GOT2 is on the minus strand). VCF-style: chr16-58716140-G-A. GRCh37 (hg19) VCF-style: chr16-58750044-G-A.
Other names: c.764C>T, p.Ala255Val (NM_001286220.2); short protein forms A298V, A255V.
Identifiers: ClinVar variation 1368594 (VCV001368594.7), dbSNP rs781130480, ClinGen allele CA8090910.

ClinVar aggregate classification (germline): Uncertain significance (1 of 4 stars; one submission).

Allele frequency attached by ClinVar (database versions not stated): gnomAD 0.00001; ExAC 0.00002; gnomAD exomes 0.00002; TOPMed 0.00002.
gnomAD v4.1: 34 of 1,613,636 alleles (0.0021%); highest among the groups gnomAD compares: Admixed American, 0.0067%; no homozygotes.

Submission:

Labcorp Genetics (formerly Invitae), Labcorp
Classification: Uncertain significance. Last evaluated: 2025-11-27. Review status: criteria provided, single submitter. Criteria: Invitae Variant Classification Sherloc (09022015). Collection method: clinical testing. Allele origin: germline.
Comment: This sequence change replaces alanine, which is neutral and non-polar, with valine, which is neutral and non-polar, at codon 298 of the GOT2 protein (p.Ala298Val). This variant is present in population databases (rs781130480, gnomAD 0.009%). This variant has not been reported in the literature in individuals affected with GOT2-related conditions. ClinVar contains an entry for this variant (Variation ID: 1368594). Invitae Evidence Modeling of protein sequence and biophysical properties (such as structural, functional, and spatial information, amino acid conservation, physicochemical variation, residue mobility, and thermodynamic stability) indicates that this missense variant is not expected to disrupt GOT2 protein function with a negative predictive value of 80%. In summary, the available evidence is currently insufficient to determine the role of this variant in disease. Therefore, it has been classified as a Variant of Uncertain Significance.